The following is an entry in ClinVar:

ClinVar aggregate classification (germline): Uncertain significance (1 of 4 stars; one submission).

Conditions:
Inborn genetic diseases. Identifiers: MedGen C0950123, MeSH D030342.

Submission:

Ambry Genetics
Classification: Uncertain significance for Inborn genetic diseases. Last evaluated: 2022-11-19. Review status: criteria provided, single submitter. Criteria: Ambry Variant Classification Scheme 2023. Collection method: clinical testing. Allele origin: germline.
Comment: The p.A44V variant (also known as c.131C>T), located in coding exon 2 of the RAD51 gene, results from a C to T substitution at nucleotide position 131. The alanine at codon 44 is replaced by valine, an amino acid with similar properties. This amino acid position is conserved. In addition, this alteration is predicted to be tolerated by in silico analysis. Since supporting evidence is limited at this time, the clinical significance of this alteration remains unclear.

NM_002875.5(RAD51):c.131C>T (p.Ala44Val)

Gene: RAD51 (RAD51 recombinase; plus strand). Cytogenetic location: 15q15.1.
Variant type: single nucleotide variant.
Coding change: c.131C>T on transcript NM_002875.5 (MANE Select); coding-DNA position 131, C replaced by T.
Protein change: p.Ala44Val; replaces alanine 44 with valine.
Molecular consequence: missense variant.
Genome position (GRCh38, 1-based): chr15:40,701,107, C>T. VCF-style: chr15-40701107-C-T. GRCh37 (hg19) VCF-style: chr15-40993305-C-T.
Other names: c.131C>T, p.Ala44Val (NM_001164269.2, NM_001164270.2, NM_133487.4); short protein forms A44V.
Identifiers: ClinVar variation 2462650 (VCV002462650.2), dbSNP rs2504414734, ClinGen allele CA391745623.
Genomic context (GRCh38, chr15:40,701,107, plus strand): 5'-GTTTTCTTCATTTGCAGCAGTGTGGCATAAATGCCAACGATGTGAAGAAATTGGAAGAAG[C>T]TGGATTCCATACTGTGGAGGCTGTTGCCTATGCGCCAAAGAAGGAGCTAATAAATATTAA-3'
Protein context (NP_002866.2, residues 34-54): NANDVKKLEE[Ala44Val]GFHTVEAVAY